The following is an entry in ClinVar:

ClinVar aggregate classification (germline): Uncertain significance (1 of 4 stars; one submission).

Submission:

GeneDx
Classification: Uncertain significance. Last evaluated: 2024-03-14. Review status: criteria provided, single submitter. Criteria: GeneDx Variant Classification Process June 2021. Collection method: clinical testing. Allele origin: germline. Affected: yes.
Comment: Has not been previously published as pathogenic or benign to our knowledge; Not observed at significant frequency in large population cohorts (gnomAD); Occurs in the triple helical domain at the Y position in the canonical Gly-X-Y repeat; although this variant may have an effect on normal protein folding and function, missense substitution at the Y position is not a common mechanism of disease (PMID: 22696272; HGMD); In silico analysis supports that this missense variant does not alter protein structure/function; This variant is associated with the following publications: (PMID: 22696272)

NM_000093.5(COL5A1):c.3949T>A (p.Ser1317Thr)

Gene: COL5A1 (collagen type V alpha 1 chain; plus strand). Cytogenetic location: 9q34.3.
Variant type: single nucleotide variant.
Coding change: c.3949T>A on transcript NM_000093.5 (MANE Select); coding-DNA position 3949, T replaced by A.
Protein change: p.Ser1317Thr; replaces serine 1317 with threonine.
Molecular consequence: missense variant.
Genome position (GRCh38, 1-based): chr9:134,814,839, T>A. VCF-style: chr9-134814839-T-A. GRCh37 (hg19) VCF-style: chr9-137706685-T-A.
Other names: c.3949T>A, p.Ser1317Thr (NM_001278074.1); short protein forms S1317T.
Identifiers: ClinVar variation 3371016 (VCV003371016.1).
Genomic context (GRCh38, chr9:134,814,839, plus strand): 5'-CTGGCCTCTTTCCTCCAGGGACCCAAAGGAGAAAGGGGAGAGAAGGGCGAGTCAGGCCCT[T>A]CAGGTGCTGCCGGACCCCCTGGACCCAAAGGCCCTCCCGGAGATGATGGTCCCAAAGGCA-3'
Protein context (NP_000084.3, residues 1307-1327): ERGEKGESGP[Ser1317Thr]GAAGPPGPKG